The following is an entry in ClinVar:

NM_000257.4(MYH7):c.4823G>T (p.Arg1608Leu)

Genes: MHRT (myosin heavy chain associated RNA transcript; plus strand), MYH7 (myosin heavy chain 7; minus strand), LOC126861897 (BRD4-independent group 4 enhancer GRCh37_chr14:23884455-23885654; plus strand). Cytogenetic location: 14q11.2.
Variant type: single nucleotide variant.
Coding change: c.4823G>T on transcript NM_000257.4 (MANE Select); coding-DNA position 4823, G replaced by T.
Protein change: p.Arg1608Leu; replaces arginine 1608 with leucine.
Molecular consequence: missense variant. On other transcripts: non-coding transcript variant (1).
Genome position (GRCh38, 1-based): chr14:23,416,134, C>A on the plus strand (G>T on the coding strand, the complement: MYH7 is on the minus strand). VCF-style: chr14-23416134-C-A. GRCh37 (hg19) VCF-style: chr14-23885343-C-A.
Other names: short protein forms R1608L.
Identifiers: ClinVar variation 1171285 (VCV001171285.8), dbSNP rs587779391, ClinGen allele CA043989.

ClinVar aggregate classification (germline): Uncertain significance. Review status: criteria provided, multiple submitters, no conflicts (2 of 4 stars). 3 submissions from 3 submitters: Uncertain significance (3). Last evaluated 2021-12-23.

Conditions:
Cardiomyopathy (CMYO). Also called: Cardiomyopathies. Identifiers: Orphanet 167848, MedGen C0878544, MONDO:0004994, HP:0001638. Inheritance: Various modes of inheritance.
Hypertrophic cardiomyopathy. Also called: HYPERTROPHIC MYOCARDIOPATHY. Identifiers: Orphanet 217569, MedGen C0007194, MeSH D002312, MONDO:0005045, HP:0001639.

gnomAD v4.1: 2 of 1,614,186 alleles (0.00012%); highest among the groups gnomAD compares: Non-Finnish European, 0.00017%; no homozygotes.

Submissions (3):

Labcorp Genetics (formerly Invitae), Labcorp
Classification: Uncertain significance for Hypertrophic cardiomyopathy. Last evaluated: 2021-12-23. Review status: criteria provided, single submitter. Criteria: Invitae Variant Classification Sherloc (09022015). Collection method: clinical testing. Allele origin: germline.
Comment: This sequence change replaces arginine, which is basic and polar, with leucine, which is neutral and non-polar, at codon 1608 of the MYH7 protein (p.Arg1608Leu). This variant is present in population databases (rs587779391, gnomAD 0.0009%). This variant has not been reported in the literature in individuals affected with MYH7-related conditions. ClinVar contains an entry for this variant (Variation ID: 1171285). Algorithms developed to predict the effect of missense changes on protein structure and function are either unavailable or do not agree on the potential impact of this missense change (SIFT: "Deleterious"; PolyPhen-2: "Probably Damaging"; Align-GVGD: "Class C0"). In summary, the available evidence is currently insufficient to determine the role of this variant in disease. Therefore, it has been classified as a Variant of Uncertain Significance.

Blueprint Genetics
Classification: Uncertain significance. Last evaluated: 2021-10-13. Review status: criteria provided, single submitter. Criteria: ACMG Guidelines, 2015. Collection method: clinical testing. Allele origin: germline.

Color Diagnostics, LLC DBA Color Health
Classification: Uncertain significance for Cardiomyopathy. Last evaluated: 2021-01-19. Review status: criteria provided, single submitter. Criteria: ACMG Guidelines, 2015. Collection method: clinical testing. Allele origin: germline.
Comment: This missense variant replaces arginine with leucine at codon 1608 of the MYH7 protein. Computational prediction suggests that this variant may have deleterious impact on protein structure and function (internally defined REVEL score threshold >= 0.7, PMID: 27666373). To our knowledge, functional studies have not been reported for this variant. This variant has not been reported in individuals affected with cardiovascular disorders in the literature. This variant has been identified in 1/251488 chromosomes in the general population by the Genome Aggregation Database (gnomAD). The available evidence is insufficient to determine the role of this variant in disease conclusively. Therefore, this variant is classified as a Variant of Uncertain Significance.